The following is an entry in ClinVar:

NM_170665.4(ATP2A2):c.131A>G (p.Glu44Gly)

Gene: ATP2A2 (ATPase sarcoplasmic/endoplasmic reticulum Ca2+ transporting 2; plus strand). Cytogenetic location: 12q24.11.
Variant type: single nucleotide variant.
Coding change: c.131A>G on transcript NM_170665.4 (MANE Select); coding-DNA position 131, A replaced by G.
Protein change: p.Glu44Gly; replaces glutamic acid 44 with glycine.
Molecular consequence: missense variant.
Genome position (GRCh38, 1-based): chr12:110,282,616, A>G. VCF-style: chr12-110282616-A-G. GRCh37 (hg19) VCF-style: chr12-110720421-A-G.
Other names: c.131A>G, p.Glu44Gly (NM_001681.4); short protein forms E44G.
Identifiers: ClinVar variation 92033 (VCV000092033.2), dbSNP rs386352281, ClinGen allele CA232391.

ClinVar aggregate classification (germline): Uncertain significance (0 of 4 stars; one submission).

Submission:

Richard Lifton Laboratory, Yale University School of Medicine
Classification: Uncertain significance. Review status: no assertion criteria provided. Collection method: not provided. Allele origin: somatic.
Comment: ATP2A2
ClinVar note: Converted during submission from unknown to Uncertain significance.